The following is an entry in ClinVar:

NM_024422.6(DSC2):c.502A>T (p.Thr168Ser)

Gene: DSC2 (desmocollin 2; minus strand). Cytogenetic location: 18q12.1.
Variant type: single nucleotide variant.
Coding change: c.502A>T on transcript NM_024422.6 (MANE Select); coding-DNA position 502, A replaced by T.
Protein change: p.Thr168Ser; replaces threonine 168 with serine.
Molecular consequence: missense variant.
Genome position (GRCh38, 1-based): chr18:31,089,567, T>A on the plus strand (A>T on the coding strand, the complement: DSC2 is on the minus strand). VCF-style: chr18-31089567-T-A. GRCh37 (hg19) VCF-style: chr18-28669530-T-A.
Other names: c.73A>T, p.Thr25Ser (NM_001406507.1, NM_001406506.1); c.502A>T, p.Thr168Ser (NM_004949.5); short protein forms T168S, T25S.
Identifiers: ClinVar variation 4756341 (VCV004756341.1).
Genomic context (GRCh38, chr18:31,089,567, plus strand): 5'-CATAAAATAAATTCCGAGGTTCTTGGTCAACTCCAGGACCTCTTATGGAATAGTATATGG[T>A]ATAGTTTTGGGCCGTGTCAGATTGAACCTAGAAAGTAGATATTATATACATGAGACAAAT-3'
Protein context (NP_077740.1, residues 158-178): QVQSDTAQNY[Thr168Ser]IYYSIRGPGV

ClinVar aggregate classification (germline): Uncertain significance (1 of 4 stars; one submission).

Conditions:
Cardiomyopathy (CMYO). Also called: Cardiomyopathies. Identifiers: Orphanet 167848, MedGen C0878544, MONDO:0004994, HP:0001638. Inheritance: Various modes of inheritance.

Submission:

Color Diagnostics, LLC DBA Color Health
Classification: Uncertain significance for Cardiomyopathy. Last evaluated: 2025-12-08. Review status: criteria provided, single submitter. Criteria: ACMG Guidelines, 2015. Collection method: clinical testing. Allele origin: germline.
Comment: This missense variant replaces threonine with serine at codon 168 of the DSC2 protein. Computational prediction suggests that this variant may not impact protein structure and function. To our knowledge, functional studies have not been reported for this variant. This variant has not been reported in individuals affected with DSC2-related disorders in the literature. This variant has not been identified in the general population by the Genome Aggregation Database (gnomAD). The available evidence is insufficient to determine the role of this variant in disease conclusively. Therefore, this variant is classified as a Variant of Uncertain Significance.